The following is an entry in ClinVar:

ClinVar aggregate classification (germline): Uncertain significance (1 of 4 stars; one submission).

Submission:

Labcorp Genetics (formerly Invitae), Labcorp
Classification: Uncertain significance. Last evaluated: 2023-04-11. Review status: criteria provided, single submitter. Criteria: Invitae Variant Classification Sherloc (09022015). Collection method: clinical testing. Allele origin: germline.
Comment: In summary, the available evidence is currently insufficient to determine the role of this variant in disease. Therefore, it has been classified as a Variant of Uncertain Significance. An algorithm developed to predict the effect of missense changes on protein structure and function (PolyPhen-2) suggests that this variant is likely to be disruptive. This variant has not been reported in the literature in individuals affected with RORB-related conditions. This variant is not present in population databases (gnomAD no frequency). This sequence change replaces glutamine, which is neutral and polar, with arginine, which is basic and polar, at codon 38 of the RORB protein (p.Gln38Arg).

NM_006914.4(RORB):c.113A>G (p.Gln38Arg)

Gene: RORB (RAR related orphan receptor B; plus strand). Cytogenetic location: 9q21.13.
Variant type: single nucleotide variant.
Coding change: c.113A>G on transcript NM_006914.4 (MANE Select); coding-DNA position 113, A replaced by G.
Protein change: p.Gln38Arg; replaces glutamine 38 with arginine.
Molecular consequence: missense variant.
Genome position (GRCh38, 1-based): chr9:74,634,650, A>G. VCF-style: chr9-74634650-A-G. GRCh37 (hg19) VCF-style: chr9-77249566-A-G.
Other names: c.146A>G, p.Gln49Arg (NM_001365023.1); short protein forms Q38R, Q49R.
Identifiers: ClinVar variation 2855206 (VCV002855206.3), dbSNP rs2489566730, ClinGen allele CA373772121.
Genomic context (GRCh38, chr9:74,634,650, plus strand): 5'-CTTATAAATCTGTTTCCCTCCCCTTCTCTTTTTCCCTCAAGGGATTCTTTAGGAGGAGCC[A>G]GCAGAACAATGCTTCTTATTCCTGCCCAAGGCAGAGAAACTGTTTAATTGACAGAACGAA-3'
Protein context (NP_008845.2, residues 28-48): EGCKGFFRRS[Gln38Arg]QNNASYSCPR